The following is an entry in ClinVar:

NM_000685.5(AGTR1):c.-47-10781A>G

Gene: AGTR1 (angiotensin II receptor type 1; plus strand). Cytogenetic location: 3q24.
Variant type: single nucleotide variant.
Coding change: c.-47-10781A>G on transcript NM_000685.5 (MANE Select); 10781 bases into the intron before 47 bases upstream of the start codon, A replaced by G.
Molecular consequence: intron variant. On other transcripts: 5 prime UTR variant (3).
Genome position (GRCh38, 1-based): chr3:148,730,208, A>G. VCF-style: chr3-148730208-A-G. GRCh37 (hg19) VCF-style: chr3-148447995-A-G.
Other names: c.-77A>G (NM_004835.5, NM_031850.4); c.-234A>G (NM_032049.4); c.-47-10781A>G (NM_001382737.1, NM_001382736.1, NM_009585.4).
Identifiers: ClinVar variation 2072843 (VCV002072843.4), dbSNP rs1714171724, ClinGen allele CA355009493.
Genomic context (GRCh38, chr3:148,730,208, plus strand): 5'-TGAACATTATTATTATTATCATCATTTTCCAGATGAAGAAAATGAATCACAAGTCAACTG[A>G]CAGTCCAAAGGCTCCACAGCTCAGAGGAGGTAAATCATGTGCTTAATTCAGAACTTTTGG-3'

ClinVar aggregate classification (germline): Uncertain significance (1 of 4 stars; one submission).

Allele frequency attached by ClinVar (database versions not stated): gnomAD exomes below 0.00001.
gnomAD v4.1: 2 of 398,398 alleles (0.0005%); highest among the groups gnomAD compares: Non-Finnish European, 0.00044%; no homozygotes.

Submission:

Labcorp Genetics (formerly Invitae), Labcorp
Classification: Uncertain significance. Last evaluated: 2024-10-08. Review status: criteria provided, single submitter. Criteria: Invitae Variant Classification Sherloc (09022015). Collection method: clinical testing. Allele origin: germline.
Comment: This sequence change replaces aspartic acid, which is acidic and polar, with glycine, which is neutral and non-polar, at codon 10 of the AGTR1 protein (p.Asp10Gly). This variant is not present in population databases (gnomAD no frequency). This variant has not been reported in the literature in individuals affected with AGTR1-related conditions. ClinVar contains an entry for this variant (Variation ID: 2072843). Experimental studies and prediction algorithms are not available or were not evaluated, and the functional significance of this variant is currently unknown. In summary, the available evidence is currently insufficient to determine the role of this variant in disease. Therefore, it has been classified as a Variant of Uncertain Significance.